The following is an entry in ClinVar:

ClinVar aggregate classification (germline): Uncertain significance (1 of 4 stars; one submission).

Submission:

Women's Health and Genetics/Laboratory Corporation of America, LabCorp
Classification: Uncertain significance. Last evaluated: 2024-07-24. Review status: criteria provided, single submitter. Criteria: LabCorp Variant Classification Summary - May 2015. Collection method: clinical testing. Allele origin: germline.
Comment: Variant summary: ACADVL c.1343T>A (p.Val448Glu) results in a non-conservative amino acid change located in the Acyl-CoA dehydrogenase/oxidase, C-terminal domain (IPR009075) of the encoded protein sequence. Five of five in-silico tools predict a damaging effect of the variant on protein function. The variant was absent in 251330 control chromosomes (gnomAD). The available data on variant occurrences in the general population are insufficient to allow any conclusion about variant significance. c.1343T>A has been reported in the literature in at least an individual affected with Very Long Chain Acyl-CoA Dehydrogenase Deficiency (example: Merritt_2014). These data do not allow any conclusion about variant significance. To our knowledge, no experimental evidence demonstrating an impact on protein function has been reported. The following publications have been ascertained in the context of this evaluation (PMID: 32778825, 24503138). No submitters have cited clinical-significance assessments for this variant to ClinVar. Based on the evidence outlined above, the variant was classified as uncertain significance.

Literature cited by the submitters: PubMed 32778825; PubMed 24503138.

NM_000018.4(ACADVL):c.1343T>A (p.Val448Glu)

Gene: ACADVL (acyl-CoA dehydrogenase very long chain; plus strand). Cytogenetic location: 17p13.1.
Variant type: single nucleotide variant.
Coding change: c.1343T>A on transcript NM_000018.4 (MANE Select); coding-DNA position 1343, T replaced by A.
Protein change: p.Val448Glu; replaces valine 448 with glutamic acid.
Molecular consequence: missense variant.
Genome position (GRCh38, 1-based): chr17:7,223,978, T>A. VCF-style: chr17-7223978-T-A. GRCh37 (hg19) VCF-style: chr17-7127297-T-A.
Other names: c.1277T>A, p.Val426Glu (NM_001033859.3); c.1412T>A, p.Val471Glu (NM_001270447.2); c.1115T>A, p.Val372Glu (NM_001270448.2); short protein forms V372E, V426E, V448E, V471E.
Identifiers: ClinVar variation 3339345 (VCV003339345.1).